The following is an entry in ClinVar:

NM_001271803.2(REEP2):c.617G>A (p.Arg206Gln)

Gene: REEP2 (receptor accessory protein 2; plus strand). Cytogenetic location: 5q31.2.
Variant type: single nucleotide variant.
Coding change: c.617G>A on transcript NM_001271803.2 (MANE Select); coding-DNA position 617, G replaced by A.
Protein change: p.Arg206Gln; replaces arginine 206 with glutamine.
Molecular consequence: missense variant. On other transcripts: non-coding transcript variant (2).
Genome position (GRCh38, 1-based): chr5:138,445,519, G>A. VCF-style: chr5-138445519-G-A. GRCh37 (hg19) VCF-style: chr5-137781208-G-A.
Other names: c.611G>A, p.Arg204Gln (NM_016606.4); c.611G>A (NM_016606.2); short protein forms R206Q, R204Q.
Identifiers: ClinVar variation 2052458 (VCV002052458.6), dbSNP rs575378976, ClinGen allele CA3429877.

ClinVar aggregate classification (germline): Uncertain significance. Review status: criteria provided, multiple submitters, no conflicts (2 of 4 stars). 2 submissions from 2 submitters: Uncertain significance (2). Last evaluated 2024-10-24.

Conditions:
Inborn genetic diseases. Identifiers: MedGen C0950123, MeSH D030342.
Hereditary spastic paraplegia 72 (SPG72A). Also called: Spastic paraplegia 72, autosomal recessive. Identifiers: Orphanet 401849, MedGen C5882669, MONDO:0014282, OMIM 615625.

Allele frequency attached by ClinVar (database versions not stated): 1000 Genomes Project 30x 0.00031; gnomAD 0.00005; gnomAD exomes 0.00004; TOPMed 0.00002; ExAC 0.00003; 1000 Genomes Project 0.00020.

Submissions (2):

Labcorp Genetics (formerly Invitae), Labcorp
Classification: Uncertain significance for Hereditary spastic paraplegia 72. Last evaluated: 2024-10-24. Review status: criteria provided, single submitter. Criteria: Invitae Variant Classification Sherloc (09022015). Collection method: clinical testing. Allele origin: germline.
Comment: This sequence change replaces arginine, which is basic and polar, with glutamine, which is neutral and polar, at codon 206 of the REEP2 protein (p.Arg206Gln). This variant is present in population databases (rs575378976, gnomAD 0.01%). This variant has not been reported in the literature in individuals affected with REEP2-related conditions. ClinVar contains an entry for this variant (Variation ID: 2052458). An algorithm developed to predict the effect of missense changes on protein structure and function (PolyPhen-2) suggests that this variant is likely to be disruptive. In summary, the available evidence is currently insufficient to determine the role of this variant in disease. Therefore, it has been classified as a Variant of Uncertain Significance.

Ambry Genetics
Classification: Uncertain significance for Inborn genetic diseases. Last evaluated: 2023-02-16. Review status: criteria provided, single submitter. Criteria: Ambry Variant Classification Scheme 2023. Collection method: clinical testing. Allele origin: germline.